The following is an entry in ClinVar:

ClinVar aggregate classification (germline): Uncertain significance (1 of 4 stars; one submission).

Allele frequency attached by ClinVar (database versions not stated): gnomAD exomes below 0.00001; TOPMed below 0.00001; gnomAD 0.00001.

Submission:

Labcorp Genetics (formerly Invitae), Labcorp
Classification: Uncertain significance. Last evaluated: 2024-01-10. Review status: criteria provided, single submitter. Criteria: Invitae Variant Classification Sherloc (09022015). Collection method: clinical testing. Allele origin: germline.
Comment: This sequence change affects the initiator methionine of the SCP2 mRNA. The next in-frame methionine is located at codon 21. This variant is not present in population databases (gnomAD no frequency). This variant has not been reported in the literature in individuals affected with SCP2-related conditions. ClinVar contains an entry for this variant (Variation ID: 2068347). Experimental studies and prediction algorithms are not available or were not evaluated, and the functional significance of this variant is currently unknown. In summary, the available evidence is currently insufficient to determine the role of this variant in disease. Therefore, it has been classified as a Variant of Uncertain Significance.

NM_002979.5(SCP2):c.2T>C (p.Met1Thr)

Gene: SCP2 (sterol carrier protein 2; plus strand). Cytogenetic location: 1p32.3.
Variant type: single nucleotide variant.
Coding change: c.2T>C on transcript NM_002979.5 (MANE Select); coding-DNA position 2, T replaced by C.
Protein change: p.Met1Thr; changes the start codon (methionine 1).
Molecular consequence: missense variant, initiator codon variant. On other transcripts: 5 prime UTR variant (1).
Genome position (GRCh38, 1-based): chr1:52,927,398, T>C. VCF-style: chr1-52927398-T-C. GRCh37 (hg19) VCF-style: chr1-53393070-T-C.
Other names: c.2T>C, p.Met1Thr (NM_001007098.3, NM_001193599.2, NM_001193600.2 and 1 more transcripts); c.-184T>C (NM_001193617.2); short protein forms M1T.
Identifiers: ClinVar variation 2068347 (VCV002068347.5), dbSNP rs1652524481, ClinGen allele CA340384406.